The following is an entry in ClinVar:

ClinVar aggregate classification (germline): Pathogenic (1 of 4 stars; one submission).

Conditions:
Aicardi-Goutieres syndrome 4. Identifiers: Orphanet 51, MedGen C1835912, MONDO:0012472, OMIM 610333.

Submission:

Labcorp Genetics (formerly Invitae), Labcorp
Classification: Pathogenic for Aicardi-Goutieres syndrome 4. Last evaluated: 2023-05-21. Review status: criteria provided, single submitter. Criteria: Invitae Variant Classification Sherloc (09022015). Collection method: clinical testing. Allele origin: unknown.
Comment: For these reasons, this variant has been classified as Pathogenic. This variant has not been reported in the literature in individuals affected with RNASEH2A-related conditions. This variant is a gross deletion of the genomic region encompassing exon(s) 5-6 of the RNASEH2A gene. This deletion is out-of-frame, and is expected to create a premature termination codon and result in an absent or disrupted protein product. Loss-of-function variants in RNASEH2A are known to be pathogenic (PMID: 21454563, 25274781).

Literature cited by the submitters: PubMed 21454563; PubMed 25274781.

NC_000019.9:g.(?_12920865)_(12921238_?)del

Gene: RNASEH2A (ribonuclease H2 subunit A; plus strand). Cytogenetic location: 19p13.2.
Variant type: Deletion.
Identifiers: ClinVar variation 3248441 (VCV003248441.1).